The following is an entry in ClinVar:

NM_000441.2(SLC26A4):c.120_138del (p.Gln41fs)

Genes: SLC26A4 (solute carrier family 26 member 4; plus strand), SLC26A4-AS1 (SLC26A4 antisense RNA 1; minus strand). Cytogenetic location: 7q22.3.
Variant type: Deletion.
Coding change: c.120_138del on transcript NM_000441.2 (MANE Select); coding-DNA positions 120 to 138, 19 bases deleted (GCAGGAGCGCAAGACGCTG).
Protein change: p.Gln41fs; shifts the reading frame from glutamine 41.
Molecular consequence: frameshift variant. On other transcripts: non-coding transcript variant (1).
Genome position (GRCh38, 1-based): chr7:107,661,761-107,661,779, GCAGGAGCGCAAGACGCTG deleted. VCF-style (leftmost placement, unchanged base first): chr7-107661760-TGCAGGAGCGCAAGACGCTG-T. GRCh37 (hg19) VCF-style: chr7-107302205-TGCAGGAGCGCAAGACGCTG-T.
Other names: short protein forms Q41fs.
Identifiers: ClinVar variation 5012681 (VCV005012681.1).
Genomic context (GRCh38, chr7:107,661,760, plus strand): 5'-ACATGGTGTCGCGGCCGGTCTACAGCGAGCTCGCTTTCCAGCAACAGCACGAGCGGCGCC[TGCAGGAGCGCAAGACGCTG>T]CGGGAGAGCCTGGCCAAGTGCTGCAGGTAGCGGCCGCGCGGGCCTGCGTAGAGAGAAGCG-3'

ClinVar aggregate classification (germline): Pathogenic (1 of 4 stars; one submission).

Conditions:
Pendred syndrome (PDS). Also called: Pendred Syndrome (PDS); DEAFNESS WITH GOITER; GOITER-DEAFNESS SYNDROME; HYPOTHYROIDISM, CONGENITAL, DUE TO DYSHORMONOGENESIS, 2B; THYROID DYSHORMONOGENESIS 2B; THYROID HORMONOGENESIS, GENETIC DEFECT IN, 2B. Identifiers: Orphanet 705, MedGen C0271829, MONDO:0010134, OMIM 274600.

Submission:

Myriad Genetics, Inc.
Classification: Pathogenic for Pendred syndrome. Last evaluated: 2024-01-24. Review status: criteria provided, single submitter. Criteria: Myriad Autosomal Dominant, Autosomal Recessive and X-Linked Classification Criteria (2023). Collection method: clinical testing. Allele origin: unknown.
Comment: NM_000441.1(SLC26A4):c.120_138del19(Q41Gfs*19) is expected to be pathogenic in the context of Pendred syndrome. This variant is predicted to lead to an abnormal or absent protein product due to the creation of a premature termination codon in SLC26A4, a gene where loss-of-function variants are known to be pathogenic. Please note: this variant was assessed in the context of healthy population screening.